The following is an entry in ClinVar:

NM_000540.3(RYR1):c.4217C>T (p.Thr1406Met)

Gene: RYR1 (ryanodine receptor 1; plus strand). Cytogenetic location: 19q13.2.
Variant type: single nucleotide variant.
Coding change: c.4217C>T on transcript NM_000540.3 (MANE Select); coding-DNA position 4217, C replaced by T.
Protein change: p.Thr1406Met; replaces threonine 1406 with methionine.
Molecular consequence: missense variant.
Genome position (GRCh38, 1-based): chr19:38,475,374, C>T. VCF-style: chr19-38475374-C-T. GRCh37 (hg19) VCF-style: chr19-38966014-C-T.
Other names: c.4217C>T, p.Thr1406Met (NM_001042723.2); short protein forms T1406M.
Identifiers: ClinVar variation 590528 (VCV000590528.57), dbSNP rs187496208, ClinGen allele CA065673.

ClinVar aggregate classification (germline): Uncertain significance. Review status: criteria provided, multiple submitters, no conflicts (2 of 4 stars). 9 submissions from 9 submitters: Uncertain significance (9). Last evaluated 2025-08-11.

Conditions:
RYR1-related myopathy. Identifiers: Orphanet 98742, MedGen CN305348, MONDO:0100150.
Congenital multicore myopathy with external ophthalmoplegia (CMYO1B). Also called: MULTICORE MYOPATHY; Congenital myopathy 1B, autosomal recessive; Minicore myopathy; MULTIMINICORE DISEASE WITH EXTERNAL OPHTHALMOPLEGIA; Minicore myopathy with external ophthalmoplegia. Identifiers: Orphanet 598, Orphanet 98905, MedGen C1850674, MONDO:0009712, OMIM 255320, HP:0003789.
Congenital myopathy with fiber type disproportion. Also called: Congenital fiber-type disproportion myopathy; Congenital fiber-type disproportion. Identifiers: Orphanet 2020, MedGen C0546264, MONDO:0009711. Inheritance: all.
Malignant hyperthermia, susceptibility to, 1 (MHS1). Also called: RYR1-Related Malignant Hyperthermia Susceptibility; Malignant hyperthermia suceptibility 1; Anesthesia related hyperthermia; Malignant hyperpyrexia; Fulminating hyperpyrexia; Pharmacogenic myopathy. Identifiers: Orphanet 423, MedGen C2930980, MONDO:0007783, OMIM 145600.
Central core myopathy (CMYO1A). Also called: CONGENITAL MYOPATHY 1A, AUTOSOMAL DOMINANT, WITH SUSCEPTIBILITY TO MALIGNANT HYPERTHERMIA; Central core disease; Myopathy, central fibrillar. Identifiers: Orphanet 597, MedGen C5830701, MONDO:0007294, OMIM 117000.
King Denborough syndrome (KDS). Identifiers: MedGen C1840365, MONDO:0020485, OMIM 619542.
RYR1-related disorder. Also called: RYR1-related disorders; RYR1-related condition. Identifiers: MedGen CN239331.

Allele frequency attached by ClinVar (database versions not stated): gnomAD 0.00004; gnomAD exomes 0.00004; TOPMed 0.00005; ExAC 0.00006; ESP Exome Variant Server 0.00008; 1000 Genomes Project 30x 0.00016; 1000 Genomes Project 0.00020.
gnomAD v4.1: 58 of 1,613,244 alleles (0.0036%); highest among the groups gnomAD compares: East Asian, 0.02%; no homozygotes.

Submissions (9):

Labcorp Genetics (formerly Invitae), Labcorp
Classification: Uncertain significance for RYR1-related disorder. Last evaluated: 2025-08-11. Review status: criteria provided, single submitter. Criteria: Invitae Variant Classification Sherloc (09022015). Collection method: clinical testing. Allele origin: germline.
Comment: This sequence change replaces threonine, which is neutral and polar, with methionine, which is neutral and non-polar, at codon 1406 of the RYR1 protein (p.Thr1406Met). This variant is present in population databases (rs187496208, gnomAD 0.01%). This variant has not been reported in the literature in individuals affected with RYR1-related conditions. ClinVar contains an entry for this variant (Variation ID: 590528). Invitae Evidence Modeling of protein sequence and biophysical properties (such as structural, functional, and spatial information, amino acid conservation, physicochemical variation, residue mobility, and thermodynamic stability) indicates that this missense variant is not expected to disrupt RYR1 protein function with a negative predictive value of 95%. In summary, the available evidence is currently insufficient to determine the role of this variant in disease. Therefore, it has been classified as a Variant of Uncertain Significance.

GeneDx
Classification: Uncertain significance. Last evaluated: 2025-07-14. Review status: criteria provided, single submitter. Criteria: GeneDx Variant Classification Process June 2021. Collection method: clinical testing. Allele origin: germline. Affected: yes.
Comment: Not observed at significant frequency in large population cohorts (gnomAD); In silico analysis suggests that this missense variant does not alter protein structure/function; This variant is associated with the following publications: (PMID: 33805315, 32236737)

All of Us Research Program, National Institutes of Health
Classification: Uncertain significance for Malignant hyperthermia, susceptibility to, 1. Last evaluated: 2024-04-16. Review status: criteria provided, single submitter. Criteria: ACMG Guidelines, 2015. Collection method: clinical testing. Allele origin: germline. Inheritance: Autosomal dominant inheritance. Observed: 12 variant alleles, 12 heterozygotes.
Comment: This missense variant replaces threonine with methionine at codon 1406 of the RYR1 protein. Computational prediction suggests that this variant may not impact protein structure and function (internally defined REVEL score threshold <= 0.5, PMID: 27666373). To our knowledge, functional studies have not been reported for this variant. This variant has not been reported in individuals affected with RYR1-related disorders in the literature. This variant has been identified in 11/248970 chromosomes in the general population by the Genome Aggregation Database (gnomAD). The available evidence is insufficient to determine the role of this variant in disease conclusively. Therefore, this variant is classified as a Variant of Uncertain Significance.

This study involves interpretation of variants in research participants for the purpose of population health screening. Participant phenotype was not available at the time of variant classification. Additional details can be found in publication PMID: 35346344, PMCID: PMC8962531

Color Diagnostics, LLC DBA Color Health
Classification: Uncertain significance for Malignant hyperthermia, susceptibility to, 1. Last evaluated: 2024-04-05. Review status: criteria provided, single submitter. Criteria: ACMG Guidelines, 2015. Collection method: clinical testing. Allele origin: germline.
Comment: This missense variant replaces threonine with methionine at codon 1406 of the RYR1 protein. Computational prediction suggests that this variant may not impact protein structure and function. To our knowledge, functional studies have not been reported for this variant. This variant has not been reported in individuals affected with RYR1-related disorders in the literature. This variant has been identified in 11/248970 chromosomes in the general population by the Genome Aggregation Database (gnomAD). The available evidence is insufficient to determine the role of this variant in disease conclusively. Therefore, this variant is classified as a Variant of Uncertain Significance.

Revvity Omics, Revvity
Classification: Uncertain significance. Last evaluated: 2023-06-30. Review status: criteria provided, single submitter. Criteria: ACMG Guidelines, 2015. Collection method: clinical testing. Allele origin: germline.

CeGaT Center for Human Genetics Tuebingen
Classification: Uncertain significance. Last evaluated: 2022-07-01. Review status: criteria provided, single submitter. Criteria: CeGaT Center For Human Genetics Tuebingen Variant Classification Criteria Version 2. Collection method: clinical testing. Allele origin: germline. Affected: yes. Observed: 4 variant alleles.
Comment: RYR1: PM2

Fulgent Genetics
Classification: Uncertain significance for Central core myopathy; Malignant hyperthermia, susceptibility to, 1; Congenital myopathy 4A, autosomal dominant; Congenital multicore myopathy with external ophthalmoplegia; King Denborough syndrome. Last evaluated: 2021-08-31. Review status: criteria provided, single submitter. Criteria: ACMG Guidelines, 2015. Collection method: clinical testing. Allele origin: unknown.

Victorian Clinical Genetics Services, Murdoch Childrens Research Institute
Classification: Uncertain significance for RYR1-related myopathy. Last evaluated: 2020-10-19. Review status: criteria provided, single submitter. Criteria: ACMG Guidelines, 2015. Collection method: clinical testing. Allele origin: germline. Affected: yes.
Comment: Based on the classification scheme VCGS_Germline_v1.3.3, this variant is classified as 3B-VUS. Following criteria are met: 0103 - Loss of function and gain of function are known mechanisms of disease in this gene and are associated with RYR1-related neuromuscular disease. Central core disease and minicore myopathy are associated with loss of function, while a gain of function mechanism has been described in the context of malignant hyperthermia susceptibility (PMID: 27855725). (I) 0108 - This gene is associated with both recessive and dominant disease. Autosomal dominant inheritance is associated with central core disease (MIM#117000) or susceptibility to malignant hyperthermia (MIM#145600). Other phenotypes including minicore myopathy (MIM#255320) are associated with autosomal recessive inheritance (PMID: 23919265). (I) 0200 - Variant is predicted to result in a missense amino acid change from threonine to methionine. (I) 0251 - This variant is heterozygous. (I) 0302 - Variant is present in gnomAD (v2) <0.001 for a dominant condition (11 heterozygotes, 0 homozygotes). (SP) 0309 - An alternative amino acid change at the same position has been observed in gnomAD (v2) (1 heterozygote, 0 homozygotes). (I) 0502 - Missense variant with conflicting in silico predictions and uninformative conservation. (I) 0604 - Variant is not located in an established domain, motif, hotspot or informative constraint region. (I) 0705 - No comparable missense variants have previous evidence for pathogenicity. (I) 0809 - Previous evidence of pathogenicity for this variant is inconclusive. This variant has not been previously reported in the literature but has been classified as a variant of uncertain significance in ClinVar with limited evidence. (I) 0905 - No published segregation evidence has been identified for this variant. (I) 1007 - No published functional evidence has been identified for this variant. (I) 1208 - Inheritance information for this variant is not currently available in this individual. (I) Legend: (SP) - Supporting pathogenic, (I) - Information, (SB) - Supporting benign

PreventionGenetics, part of Exact Sciences
Classification: Uncertain significance. Last evaluated: 2015-06-05. Review status: criteria provided, single submitter. Criteria: ACMG Guidelines, 2015. Collection method: clinical testing. Allele origin: germline.

Literature cited by the submitters: PubMed 23919265 (cited by Victorian Clinical Genetics Services, Murdoch Childrens Research Institute); PubMed 27855725 (cited by Victorian Clinical Genetics Services, Murdoch Childrens Research Institute).